The following is an entry in ClinVar:

NM_001429.4(EP300):c.1572G>A (p.Thr524=)

Gene: EP300 (EP300 lysine acetyltransferase; plus strand). Cytogenetic location: 22q13.2.
Variant type: single nucleotide variant.
Coding change: c.1572G>A on transcript NM_001429.4 (MANE Select); coding-DNA position 1572, G replaced by A.
Protein change: p.Thr524=; no amino-acid change (threonine 524 retained).
Molecular consequence: synonymous variant.
Genome position (GRCh38, 1-based): chr22:41,135,856, G>A. VCF-style: chr22-41135856-G-A. GRCh37 (hg19) VCF-style: chr22-41531860-G-A.
Other names: c.1572G>A, p.Thr524= (NM_001362843.2).
Identifiers: ClinVar variation 502213 (VCV000502213.24), dbSNP rs746398873, ClinGen allele CA10252550.

ClinVar aggregate classification (germline): Conflicting classifications of pathogenicity. Review status: criteria provided, conflicting classifications (1 of 4 stars). 5 submissions from 5 submitters: Uncertain significance (1); Likely benign (3). 1 of the submissions does not count toward it. Last evaluated 2024-11-05.

Conditions:
Rubinstein-Taybi syndrome due to EP300 haploinsufficiency. Also called: EP300-Related Rubinstein-Taybi Syndrome; RUBINSTEIN-TAYBI SYNDROME 2. Identifiers: Orphanet 353284, Orphanet 783, MedGen C3150941, MONDO:0013364, OMIM 613684.
EP300-related disorder. Also called: EP300-related condition; EP300-related disorders.

Allele frequency attached by ClinVar (database versions not stated): gnomAD 0.00009 and 0.00011; TOPMed 0.00013.
gnomAD v4.1: 401 of 1,613,974 alleles (0.025%); highest among the groups gnomAD compares: South Asian, 0.045%; no homozygotes.

Submissions (5):

Blueprint Genetics
Classification: Likely benign. Last evaluated: 2024-11-05. Review status: criteria provided, single submitter. Criteria: ACMG Guidelines, 2015. Collection method: clinical testing. Allele origin: germline.

Labcorp Genetics (formerly Invitae), Labcorp
Classification: Likely benign for Rubinstein-Taybi syndrome due to EP300 haploinsufficiency. Last evaluated: 2024-04-02. Review status: criteria provided, single submitter. Criteria: Invitae Variant Classification Sherloc (09022015). Collection method: clinical testing. Allele origin: germline.

GeneDx
Classification: Likely benign. Last evaluated: 2020-11-14. Review status: criteria provided, single submitter. Criteria: GeneDx Variant Classification Process June 2021. Collection method: clinical testing. Allele origin: germline. Affected: yes.

Eurofins Ntd Llc (ga)
Classification: Uncertain significance. Last evaluated: 2017-06-19. Review status: criteria provided, single submitter. Criteria: EGL Classification Definitions 2015. Collection method: clinical testing. Allele origin: germline. Observed: 1 variant allele, 1 heterozygote.

PreventionGenetics, part of Exact Sciences
Classification: Likely benign for EP300-related condition. Last evaluated: 2019-11-06. Review status: no assertion criteria provided. Collection method: clinical testing. Allele origin: germline. Not counted in ClinVar's aggregate classification.
Comment: This variant is classified as likely benign based on ACMG/AMP sequence variant interpretation guidelines (Richards et al. 2015 PMID: 25741868, with internal and published modifications).